The following is an entry in ClinVar:

NM_020312.4(COQ9):c.128G>A (p.Gly43Glu)

Gene: COQ9 (coenzyme Q9; plus strand). Cytogenetic location: 16q21.
Variant type: single nucleotide variant.
Coding change: c.128G>A on transcript NM_020312.4 (MANE Select); coding-DNA position 128, G replaced by A.
Protein change: p.Gly43Glu; replaces glycine 43 with glutamic acid.
Molecular consequence: missense variant.
Genome position (GRCh38, 1-based): chr16:57,451,094, G>A. VCF-style: chr16-57451094-G-A. GRCh37 (hg19) VCF-style: chr16-57485006-G-A.
Other names: short protein forms G43E.
Identifiers: ClinVar variation 1946440 (VCV001946440.5), dbSNP rs2543566377, ClinGen allele CA396026610.

ClinVar aggregate classification (germline): Uncertain significance (1 of 4 stars; one submission).

Submission:

Labcorp Genetics (formerly Invitae), Labcorp
Classification: Uncertain significance. Last evaluated: 2022-03-04. Review status: criteria provided, single submitter. Criteria: Invitae Variant Classification Sherloc (09022015). Collection method: clinical testing. Allele origin: germline.
Comment: This sequence change replaces glycine, which is neutral and non-polar, with glutamic acid, which is acidic and polar, at codon 43 of the COQ9 protein (p.Gly43Glu). This variant is not present in population databases (gnomAD no frequency). This variant has not been reported in the literature in individuals affected with COQ9-related conditions. Algorithms developed to predict the effect of missense changes on protein structure and function output the following: SIFT: "Tolerated"; PolyPhen-2: "Benign"; Align-GVGD: "Class C0". The glutamic acid amino acid residue is found in multiple mammalian species, which suggests that this missense change does not adversely affect protein function. In summary, the available evidence is currently insufficient to determine the role of this variant in disease. Therefore, it has been classified as a Variant of Uncertain Significance.